The following is an entry in ClinVar:

NM_032444.4(SLX4):c.514del (p.Leu172fs)

Gene: SLX4 (SLX4 structure-specific endonuclease subunit; minus strand). Cytogenetic location: 16p13.3.
Variant type: Deletion.
Coding change: c.514del on transcript NM_032444.4 (MANE Select); coding-DNA position 514, one base deleted (C; older notation c.514delC).
Protein change: p.Leu172fs; shifts the reading frame from leucine 172.
Molecular consequence: frameshift variant.
Genome position (GRCh38, 1-based): chr16:3,608,451, G deleted on the plus strand (C on the coding strand, the reverse complement: SLX4 is on the minus strand); the first of 2 consecutive G bases (chr16:3,608,451-3,608,452); deleting either gives the same sequence. VCF-style (leftmost placement, unchanged base first): chr16-3608450-AG-A. GRCh37 (hg19) VCF-style: chr16-3658451-AG-A.
Other names: c.514del (LRG_503t1); short protein forms L172fs.
Identifiers: ClinVar variation 31025 (VCV000031025.9), dbSNP rs1567178071, ClinGen allele CA913190742.

ClinVar aggregate classification (germline): Pathogenic. Review status: criteria provided, multiple submitters, no conflicts (2 of 4 stars). 4 submissions from 4 submitters: Pathogenic (2). 2 of the submissions do not count toward it. Last evaluated 2025-03-20.

Conditions:
Fanconi anemia complementation group P. Also called: SLX4-Related Fanconi Anemia. Identifiers: Orphanet 84, MedGen C3469542, MONDO:0013499, OMIM 613951.
Fanconi anemia (FA). Also called: Fanconi's anemia. Identifiers: Orphanet 84, MedGen C0015625, MeSH D005199, MONDO:0019391.

Submissions (4):

Labcorp Genetics (formerly Invitae), Labcorp
Classification: Pathogenic for Fanconi anemia. Last evaluated: 2025-03-20. Review status: criteria provided, single submitter. Criteria: Invitae Variant Classification Sherloc (09022015). Collection method: clinical testing. Allele origin: germline.
Comment: This sequence change creates a premature translational stop signal (p.Leu172Phefs*22) in the SLX4 gene. It is expected to result in an absent or disrupted protein product. Loss-of-function variants in SLX4 are known to be pathogenic (PMID: 21240277). This variant is not present in population databases (gnomAD no frequency). This premature translational stop signal has been observed in individual(s) with Fanconi anemia (PMID: 21240275). In at least one individual the data is consistent with being in trans (on the opposite chromosome) from a pathogenic variant. ClinVar contains an entry for this variant (Variation ID: 31025). For these reasons, this variant has been classified as Pathogenic.

Fulgent Genetics
Classification: Pathogenic for Fanconi anemia complementation group P. Last evaluated: 2024-06-14. Review status: criteria provided, single submitter. Criteria: ACMG Guidelines, 2015. Collection method: clinical testing. Allele origin: germline.

Leiden Open Variation Database
Classification: Pathogenic for Fanconi anemia complementation group P. Last evaluated: 2011-02-10. Review status: no assertion criteria provided. Collection method: curation. Allele origin: germline. Affected: yes. Not counted in ClinVar's aggregate classification.
Comment: Curator: Arleen D. Auerbach. Submitter to LOVD: Arleen D. Auerbach.

OMIM
Classification: Pathogenic for FANCONI ANEMIA, COMPLEMENTATION GROUP P. Last evaluated: 2011-02-01. Review status: no assertion criteria provided. Collection method: literature only. Allele origin: germline. Not counted in ClinVar's aggregate classification.

Literature cited by the submitters: PubMed 21240277 (cited by Labcorp Genetics (formerly Invitae), Labcorp); PubMed 21240275 (cited by 3 submitters).